The following is an entry in ClinVar:

NM_001127222.2(CACNA1A):c.1083-266C>T

Gene: CACNA1A (calcium voltage-gated channel subunit alpha1 A; minus strand). Cytogenetic location: 19p13.13.
Variant type: single nucleotide variant.
Coding change: c.1083-266C>T on transcript NM_001127222.2 (MANE Select); 266 bases into the intron before coding-DNA position 1083, C replaced by T.
Molecular consequence: intron variant.
Genome position (GRCh38, 1-based): chr19:13,334,759, G>A on the plus strand (C>T on the coding strand, the complement: CACNA1A is on the minus strand). VCF-style: chr19-13334759-G-A. GRCh37 (hg19) VCF-style: chr19-13445573-G-A.
Other names: c.1083-266C>T (NM_001127221.2, NM_001174080.2, NM_000068.4 and 1 more transcripts).
Identifiers: ClinVar variation 668027 (VCV000668027.1), dbSNP rs34296137, ClinGen allele CA14655160.

ClinVar aggregate classification (germline): Benign (1 of 4 stars; one submission).

Allele frequency attached by ClinVar (database versions not stated): gnomAD 0.64014 and 0.64397; TOPMed 0.64069; 1000 Genomes Project 0.64217; 1000 Genomes Project 30x 0.64631.
gnomAD v4.1: 97,821 of 151,782 alleles (64%); highest among the groups gnomAD compares: Admixed American, 74%; 32,028 homozygotes.

Submission:

GeneDx
Classification: Benign. Last evaluated: 2018-06-18. Review status: criteria provided, single submitter. Criteria: GeneDx Variant Classification (06012015). Collection method: clinical testing. Allele origin: germline. Affected: yes.
Comment: This variant is considered likely benign or benign based on one or more of the following criteria: it is a conservative change, it occurs at a poorly conserved position in the protein, it is predicted to be benign by multiple in silico algorithms, and/or has population frequency not consistent with disease.